The following is an entry in ClinVar:

ClinVar aggregate classification (germline): Pathogenic (1 of 4 stars; one submission).

Conditions:
Citrullinemia type I (CTNL1). Also called: ASS DEFICIENCY; argininosuccinate synthetase deficiency. Identifiers: Orphanet 247525, MedGen C4721769, MONDO:0008988, OMIM 215700.

Submission:

Myriad Genetics, Inc.
Classification: Pathogenic for Citrullinemia type I. Last evaluated: 2024-08-22. Review status: criteria provided, single submitter. Criteria: Myriad Autosomal Dominant, Autosomal Recessive and X-Linked Classification Criteria (2023). Collection method: clinical testing. Allele origin: unknown.
Comment: NM_000050.4(ASS1):c.416_419delTAAA(I139Rfs*21) is expected to be pathogenic in the context of citrullinemia type 1. This variant is predicted to lead to an abnormal or absent protein product due to the creation of a premature termination codon in ASS1, a gene where loss-of-function variants are known to be pathogenic. Please note: this variant was assessed in the context of healthy population screening.

NM_054012.4(ASS1):c.416_419del (p.Ile139fs)

Gene: ASS1 (argininosuccinate synthase 1; plus strand). Cytogenetic location: 9q34.11.
Variant type: Deletion.
Coding change: c.416_419del on transcript NM_054012.4 (MANE Select); coding-DNA positions 416 to 419, 4 bases deleted (TAAA; older notation c.416_419delTAAA).
Protein change: p.Ile139fs; shifts the reading frame from isoleucine 139.
Molecular consequence: frameshift variant.
Genome position (GRCh38, 1-based): chr9:130,464,163-130,464,166, TAAA deleted; deleting any 4 consecutive bases within chr9:130,464,162-130,464,166 gives the same sequence; the c. name uses the placement nearest the transcript's 3' end. VCF-style (leftmost placement, unchanged base first): chr9-130464161-GATAA-G. GRCh37 (hg19) VCF-style: chr9-133339548-GATAA-G.
Other names: c.416_419del, p.Ile139fs (NM_000050.4); short protein forms I139fs.
Identifiers: ClinVar variation 5013482 (VCV005013482.1).
Genomic context (GRCh38, chr9:130,464,161, plus strand): 5'-TGCATTGCAGGGGAACGATCAGGTCCGGTTTGAGCTCAGCTGCTACTCACTGGCCCCCCA[GATAA>G]AGGTAGGATGTGGCTCCTCCCCTTAGCAGGGAGCACTAGCATCTGCAGCACCTGATGGGG-3'